The following is an entry in ClinVar:

NM_080680.3(COL11A2):c.1557+4A>G

Gene: COL11A2 (collagen type XI alpha 2 chain; minus strand). Cytogenetic location: 6p21.32.
Variant type: single nucleotide variant.
Coding change: c.1557+4A>G on transcript NM_080680.3 (MANE Select); 4 bases into the intron after coding-DNA position 1557, A replaced by G.
Molecular consequence: intron variant.
Genome position (GRCh38, 1-based): chr6:33,179,227, T>C on the plus strand (A>G on the coding strand, the complement: COL11A2 is on the minus strand). VCF-style: chr6-33179227-T-C. GRCh37 (hg19) VCF-style: chr6-33147004-T-C.
Other names: c.1236+4A>G (NM_080679.3); c.1299+4A>G (NM_080681.3).
Identifiers: ClinVar variation 1447713 (VCV001447713.4), dbSNP rs956209003, ClinGen allele CA137051773.

ClinVar aggregate classification (germline): Uncertain significance (1 of 4 stars; one submission).

Allele frequency attached by ClinVar (database versions not stated): gnomAD exomes 0.00001; gnomAD 0.00003; TOPMed 0.00004.
gnomAD v4.1: 7 of 1,611,794 alleles (0.00043%); highest among the groups gnomAD compares: African/African-American, 0.0094%; no homozygotes.

Submission:

Labcorp Genetics (formerly Invitae), Labcorp
Classification: Uncertain significance. Last evaluated: 2025-07-10. Review status: criteria provided, single submitter. Criteria: Invitae Variant Classification Sherloc (09022015). Collection method: clinical testing. Allele origin: germline.
Comment: This sequence change falls in intron 15 of the COL11A2 gene. It does not directly change the encoded amino acid sequence of the COL11A2 protein. It affects a nucleotide within the consensus splice site. This variant is present in population databases (no rsID available, gnomAD 0.004%). This variant has not been reported in the literature in individuals affected with COL11A2-related conditions. ClinVar contains an entry for this variant (Variation ID: 1447713). Variants that disrupt the consensus splice site are a relatively common cause of aberrant splicing (PMID: 17576681, 9536098). Algorithms developed to predict the effect of sequence changes on RNA splicing suggest that this variant may disrupt the consensus splice site. In summary, the available evidence is currently insufficient to determine the role of this variant in disease. Therefore, it has been classified as a Variant of Uncertain Significance.

Literature cited by the submitters: PubMed 17576681; PubMed 9536098.